The following is an entry in ClinVar:

NM_015202.5(KATNIP):c.2334C>T (p.Pro778=)

Gene: KATNIP (katanin interacting protein; plus strand). Cytogenetic location: 16p12.1.
Variant type: single nucleotide variant.
Coding change: c.2334C>T on transcript NM_015202.5 (MANE Select); coding-DNA position 2334, C replaced by T.
Protein change: p.Pro778=; no amino-acid change (proline 778 retained).
Molecular consequence: synonymous variant.
Genome position (GRCh38, 1-based): chr16:27,740,631, C>T. VCF-style: chr16-27740631-C-T. GRCh37 (hg19) VCF-style: chr16-27751952-C-T.
Identifiers: ClinVar variation 3613910 (VCV003613910.3).

ClinVar aggregate classification (germline): Likely benign. Review status: criteria provided, multiple submitters, no conflicts (2 of 4 stars). 2 submissions from 2 submitters: Likely benign (2). Last evaluated 2026-09-01.

gnomAD v4.1: 8 of 1,614,082 alleles (0.0005%); highest among the groups gnomAD compares: Admixed American, 0.005%; no homozygotes.

Submissions (2):

CeGaT Center for Human Genetics Tuebingen
Classification: Likely benign. Last evaluated: 2026-09-01. Review status: criteria provided, single submitter. Criteria: CeGaT Center For Human Genetics Tuebingen Variant Classification Criteria Version 2. Collection method: clinical testing. Allele origin: germline. Affected: yes. Observed: 1 variant allele.
Comment: KATNIP: BP4, BP7

Labcorp Genetics (formerly Invitae), Labcorp
Classification: Likely benign. Last evaluated: 2024-09-04. Review status: criteria provided, single submitter. Criteria: Invitae Variant Classification Sherloc (09022015). Collection method: clinical testing. Allele origin: germline.